The following is an entry in ClinVar:

ClinVar aggregate classification (germline): Uncertain significance (1 of 4 stars; one submission).

Conditions:
Tuberous sclerosis 2 (TSC2). Identifiers: Orphanet 805, MedGen C1860707, MONDO:0013199, OMIM 613254.

Submission:

Labcorp Genetics (formerly Invitae), Labcorp
Classification: Uncertain significance for Tuberous sclerosis 2. Last evaluated: 2023-06-20. Review status: criteria provided, single submitter. Criteria: Invitae Variant Classification Sherloc (09022015). Collection method: clinical testing. Allele origin: germline.
Comment: In summary, the available evidence is currently insufficient to determine the role of this variant in disease. Therefore, it has been classified as a Variant of Uncertain Significance. This sequence change falls in intron 39 of the TSC2 gene. It does not directly change the encoded amino acid sequence of the TSC2 protein. This variant is present in population databases (no rsID available, gnomAD 0.0009%). This variant has not been reported in the literature in individuals affected with TSC2-related conditions. Algorithms developed to predict the effect of sequence changes on RNA splicing suggest that this variant may create or strengthen a splice site.

NM_000548.5(TSC2):c.5068+13_5068+36dup

Gene: TSC2 (TSC complex subunit 2; plus strand). Cytogenetic location: 16p13.3.
Variant type: Duplication.
Coding change: c.5068+13_5068+36dup on transcript NM_000548.5 (MANE Select); bases 13 to 36 of the intron after coding-DNA position 5068, 24 bases duplicated (GGGGCCCTGCAGTGCAGGAAAGGT).
Molecular consequence: intron variant.
Genome position (GRCh38, 1-based): chr16:2,087,954-2,087,977, GGGGCCCTGCAGTGCAGGAAAGGT duplicated; duplicating any 24 consecutive bases within chr16:2,087,951-2,087,977 gives the same sequence; the c. name uses the placement nearest the transcript's 3' end. VCF-style (leftmost placement, unchanged base first): chr16-2087950-G-GGGTGGGGCCCTGCAGTGCAGGAAA. GRCh37 (hg19) VCF-style: chr16-2137951-G-GGGTGGGGCCCTGCAGTGCAGGAAA.
Other names: c.5065+13_5065+36dup (NM_001406663.1); c.4996+13_4996+36dup (NM_001406664.1); c.4939+13_4939+36dup (NM_021055.3, NM_001370405.1); c.4870+13_4870+36dup (NM_001363528.2); c.4990+13_4990+36dup (NM_001406665.1); c.4936+13_4936+36dup (NM_001370404.1); c.4867+13_4867+36dup (NM_001077183.3); c.3526+13_3526+36dup (NM_001406694.1, NM_001406693.1, NM_001406692.1); and 26 more.
Identifiers: ClinVar variation 2793074 (VCV002793074.3), dbSNP rs2544467426, ClinGen allele CA620705074.